The following is an entry in ClinVar:

ClinVar aggregate classification (germline): Benign/Likely benign. Review status: criteria provided, multiple submitters, no conflicts (2 of 4 stars). 2 submissions from 2 submitters: Benign (1); Likely benign (1). Last evaluated 2025-12-06.

Conditions:
Glycogen storage disease IXa1. Also called: GLYCOGEN STORAGE DISEASE VIII; GSD VIII; Glycogen storage disease 8; LIVER GLYCOGENOSIS, X-LINKED, TYPE I. Identifiers: Orphanet 264580, MedGen C3694531, MONDO:0010598, OMIM 306000.

Allele frequency attached by ClinVar (database versions not stated): gnomAD 0.00014; TOPMed 0.00016; 1000 Genomes Project 30x 0.00021; 1000 Genomes Project 0.00026; ExAC 0.00035.
gnomAD v4.1: 126 of 1,164,880 alleles (0.011%); highest among the groups gnomAD compares: East Asian, 0.37%; no homozygotes.

Submissions (2):

Labcorp Genetics (formerly Invitae), Labcorp
Classification: Benign for Glycogen storage disease IXa1. Last evaluated: 2025-12-06. Review status: criteria provided, single submitter. Criteria: Invitae Variant Classification Sherloc (09022015). Collection method: clinical testing. Allele origin: germline.

GeneDx
Classification: Likely benign. Last evaluated: 2016-08-01. Review status: criteria provided, single submitter. Criteria: GeneDx Variant Classification (06012015). Collection method: clinical testing. Allele origin: germline. Affected: yes.
Comment: This variant is considered likely benign or benign based on one or more of the following criteria: it is a conservative change, it occurs at a poorly conserved position in the protein, it is predicted to be benign by multiple in silico algorithms, and/or has population frequency not consistent with disease.

NM_000292.3(PHKA2):c.2518-5C>T

Gene: PHKA2 (phosphorylase kinase regulatory subunit alpha 2; minus strand). Cytogenetic location: Xp22.13.
Variant type: single nucleotide variant.
Coding change: c.2518-5C>T on transcript NM_000292.3 (MANE Select); 5 bases into the intron before coding-DNA position 2518, C replaced by T.
Molecular consequence: intron variant.
Genome position (GRCh38, 1-based): chrX:18,907,102, G>A on the plus strand (C>T on the coding strand, the complement: PHKA2 is on the minus strand). VCF-style: chrX-18907102-G-A. GRCh37 (hg19) VCF-style: chrX-18925220-G-A.
Identifiers: ClinVar variation 387754 (VCV000387754.2), dbSNP rs201870008, ClinGen allele CA10361613.